The following is an entry in ClinVar:

ClinVar aggregate classification (germline): Pathogenic/Likely pathogenic. Review status: criteria provided, multiple submitters, no conflicts (2 of 4 stars). 6 submissions from 6 submitters: Pathogenic (3); Likely pathogenic (3). Last evaluated 2025-08-29.

Conditions:
Adult hypophosphatasia. Identifiers: Orphanet 247676, Orphanet 436, MedGen C0268413, MONDO:1010154, OMIM 146300, MONDO:0007798.
Childhood hypophosphatasia. Identifiers: Orphanet 247667, Orphanet 436, MedGen C0220743, MONDO:1010168, OMIM 241510, MONDO:0009428.
Infantile hypophosphatasia. Identifiers: Orphanet 247651, Orphanet 436, MedGen C0268412, MONDO:1010169, OMIM 241500, MONDO:0009427.
Hypophosphatasia. Also called: Phosphoethanol-aminuria. Identifiers: Orphanet 436, MedGen C0020630, MeSH D007014, MONDO:0018570.

Allele frequency attached by ClinVar (database versions not stated): gnomAD exomes below 0.00001.

Submissions (6):

Genomenon, Inc
Classification: Pathogenic for Hypophosphatasia. Last evaluated: 2025-08-29. Review status: criteria provided, single submitter. Criteria: Genomenon Sequence Variant Interpretation Standards. Collection method: curation. Allele origin: germline. Affected: yes.
Comment: ALPL p.Tyr388His (c.1162T>C) is a missense variant that changes the amino acid at residue 388 from Tyrosine to Histidine. This variant has been observed in at least one proband affected with hypophosphatasia (PMID:29724887;24022022;20924064;33827627). The variant was found to segregate with disease in at least one affected family (PMID:29724887). At least one functional study has demonstrated a substantial alteration in protein function relative to the wild-type (PMID:24022022). It is absent or not present at a significant frequency in gnomAD. In silico models agree that this variant is possibly or probably damaging. In conclusion, we classify ALPL p.Tyr388His (c.1162T>C) as a pathogenic variant.

Natera, Inc.
Classification: Likely pathogenic for Hypophosphatasia. Last evaluated: 2025-06-05. Review status: criteria provided, single submitter. Criteria: Natera Variant Classification Schema (03/2026). Collection method: clinical testing. Allele origin: germline.
Comment: The c.1162T>C variant in ALPL is a missense variant predicted to cause substitution of tyrosine to histidine at amino acid 388. This variant is rare in the general population with a frequency below the threshold expected for the associated phenotype(s). This variant has been observed in one or more individuals affected with the associated recessive disease, as either homozygous or compound heterozygous with a second variant (PMID: 33827627, 20924064). Functional studies show that this variant may disrupt protein function (PMID: 24022022). Computational prediction algorithms indicate this variant is likely to affect gene or protein function. Given the available evidence, this variant is classified as Likely Pathogenic.

Fulgent Genetics
Classification: Likely pathogenic for Adult hypophosphatasia; Infantile hypophosphatasia; Childhood hypophosphatasia. Last evaluated: 2024-03-07. Review status: criteria provided, single submitter. Criteria: ACMG Guidelines, 2015. Collection method: clinical testing. Allele origin: germline.

Baylor Genetics
Classification: Likely pathogenic for Adult hypophosphatasia. Last evaluated: 2023-08-30. Review status: criteria provided, single submitter. Criteria: ACMG Guidelines, 2015. Collection method: clinical testing. Allele origin: unknown.

Labcorp Genetics (formerly Invitae), Labcorp
Classification: Pathogenic. Last evaluated: 2023-06-17. Review status: criteria provided, single submitter. Criteria: Invitae Variant Classification Sherloc (09022015). Collection method: clinical testing. Allele origin: germline.
Comment: For these reasons, this variant has been classified as Pathogenic. Experimental studies have shown that this missense change affects ALPL function (PMID: 23509830, 24022022). Advanced modeling of protein sequence and biophysical properties (such as structural, functional, and spatial information, amino acid conservation, physicochemical variation, residue mobility, and thermodynamic stability) performed at Invitae indicates that this missense variant is expected to disrupt ALPL protein function. ClinVar contains an entry for this variant (Variation ID: 937925). This missense change has been observed in individual(s) with clinical features of hypophosphatasia (PMID: 20924064, 24022022, 29724887). In at least one individual the data is consistent with being in trans (on the opposite chromosome) from a pathogenic variant. This variant is not present in population databases (gnomAD no frequency). This sequence change replaces tyrosine, which is neutral and polar, with histidine, which is basic and polar, at codon 388 of the ALPL protein (p.Tyr388His).

Juno Genomics, Hangzhou Juno Genomics, Inc
Classification: Pathogenic for Adult hypophosphatasia; Childhood hypophosphatasia; Infantile hypophosphatasia. Review status: criteria provided, single submitter. Criteria: ACMG Guidelines, 2015. Collection method: clinical testing. Allele origin: germline.
Comment: Absent from controls (or at extremely low frequency if recessive) in Genome Aggregation Database.;Well-established in vitro or in vivo functional studies supportive of a damaging effect on the gene or gene product.;For recessive disorders, detected in trans with a pathogenic variant.;Co-segregation with disease in multiple affected family members.

Literature cited by the submitters: PubMed 29724887 (cited by Genomenon, Inc and Labcorp Genetics (formerly Invitae), Labcorp); PubMed 24022022 (cited by 3 submitters); PubMed 20924064 (cited by 3 submitters); PubMed 33827627 (cited by Genomenon, Inc and Natera, Inc.); PubMed 23509830 (cited by Labcorp Genetics (formerly Invitae), Labcorp).

NM_000478.6(ALPL):c.1162T>C (p.Tyr388His)

Gene: ALPL (alkaline phosphatase, biomineralization associated; plus strand). Cytogenetic location: 1p36.12.
Variant type: single nucleotide variant.
Coding change: c.1162T>C on transcript NM_000478.6 (MANE Select); coding-DNA position 1162, T replaced by C.
Protein change: p.Tyr388His; replaces tyrosine 388 with histidine.
Molecular consequence: missense variant.
Genome position (GRCh38, 1-based): chr1:21,575,897, T>C. VCF-style: chr1-21575897-T-C. GRCh37 (hg19) VCF-style: chr1-21902390-T-C.
Other names: c.997T>C, p.Tyr333His (NM_001127501.4); c.931T>C, p.Tyr311His (NM_001177520.3); c.1162T>C, p.Tyr388His (NM_001369803.2, NM_001369804.2, NM_001369805.2); short protein forms Y333H, Y388H, Y311H.
Identifiers: ClinVar variation 937925 (VCV000937925.15), dbSNP rs1644722881, ClinGen allele CA338881450.